The following is an entry in ClinVar:

NM_001429.4(EP300):c.6662C>T (p.Pro2221Leu)

Gene: EP300 (EP300 lysine acetyltransferase; plus strand). Cytogenetic location: 22q13.2.
Variant type: single nucleotide variant.
Coding change: c.6662C>T on transcript NM_001429.4 (MANE Select); coding-DNA position 6662, C replaced by T.
Protein change: p.Pro2221Leu; replaces proline 2221 with leucine.
Molecular consequence: missense variant.
Genome position (GRCh38, 1-based): chr22:41,178,373, C>T. VCF-style: chr22-41178373-C-T. GRCh37 (hg19) VCF-style: chr22-41574377-C-T.
Other names: c.6584C>T, p.Pro2195Leu (NM_001362843.2); short protein forms P2195L, P2221L.
Identifiers: ClinVar variation 2634694 (VCV002634694.3), dbSNP rs28937578, ClinGen allele CA10253914.
Genomic context (GRCh38, chr22:41,178,373, plus strand): 5'-TAGGCCCTGGAATGGCCAACCATAACCAGTTCCAGCAACCCCAAGGAGTTGGCTACCCAC[C>T]ACAGCAGCAGCAGCGGATGCAGCATCACATGCAACAGATGCAACAAGGAAATATGGGACA-3'
Protein context (NP_001420.2, residues 2211-2231): FQQPQGVGYP[Pro2221Leu]QQQQRMQHHM

ClinVar aggregate classification (germline): Uncertain significance. Review status: criteria provided, multiple submitters, no conflicts (2 of 4 stars). 2 submissions from 2 submitters: Uncertain significance (2). Last evaluated 2025-06-08.

Conditions:
EP300-related disorder. Also called: EP300-related condition; EP300-related disorders.
Rubinstein-Taybi syndrome due to EP300 haploinsufficiency. Also called: EP300-Related Rubinstein-Taybi Syndrome; RUBINSTEIN-TAYBI SYNDROME 2. Identifiers: Orphanet 353284, Orphanet 783, MedGen C3150941, MONDO:0013364, OMIM 613684.

Allele frequency attached by ClinVar (database versions not stated): ExAC 0.00001; TOPMed 0.00001; gnomAD exomes 0.00004.
gnomAD v4.1: 57 of 1,614,144 alleles (0.0035%); highest among the groups gnomAD compares: Non-Finnish European, 0.0047%; no homozygotes.

Submissions (2):

Labcorp Genetics (formerly Invitae), Labcorp
Classification: Uncertain significance for Rubinstein-Taybi syndrome due to EP300 haploinsufficiency. Last evaluated: 2025-06-08. Review status: criteria provided, single submitter. Criteria: Invitae Variant Classification Sherloc (09022015). Collection method: clinical testing. Allele origin: germline.
Comment: This sequence change replaces proline, which is neutral and non-polar, with leucine, which is neutral and non-polar, at codon 2221 of the EP300 protein (p.Pro2221Leu). This variant is present in population databases (rs28937578, gnomAD 0.002%). This variant has not been reported in the literature in individuals affected with EP300-related conditions. ClinVar contains an entry for this variant (Variation ID: 2634694). Invitae Evidence Modeling of protein sequence and biophysical properties (such as structural, functional, and spatial information, amino acid conservation, physicochemical variation, residue mobility, and thermodynamic stability) indicates that this missense variant is not expected to disrupt EP300 protein function with a negative predictive value of 80%. In summary, the available evidence is currently insufficient to determine the role of this variant in disease. Therefore, it has been classified as a Variant of Uncertain Significance.

PreventionGenetics, part of Exact Sciences
Classification: Uncertain significance for EP300-related condition. Last evaluated: 2023-07-05. Review status: criteria provided, single submitter. Criteria: ACMG Guidelines, 2015. Collection method: clinical testing. Allele origin: germline.
Comment: The EP300 c.6662C>T variant is predicted to result in the amino acid substitution p.Pro2221Leu. To our knowledge, this variant has not been reported in the literature. This variant is reported in 0.0018% of alleles in individuals of European (Non-Finnish) descent in gnomAD. At this time, the clinical significance of this variant is uncertain due to the absence of conclusive functional and genetic evidence.